The following is an entry in ClinVar:

NM_001267550.2(TTN):c.53192T>C (p.Ile17731Thr)

Genes: TTN (titin; minus strand), TTN-AS1 (TTN antisense RNA 1; plus strand), LOC126806425 (BRD4-independent group 4 enhancer GRCh37_chr2:179471933-179473132; plus strand). Cytogenetic location: 2q31.2.
Variant type: single nucleotide variant.
Coding change: c.53192T>C on transcript NM_001267550.2 (MANE Select); coding-DNA position 53192, T replaced by C.
Protein change: p.Ile17731Thr; replaces isoleucine 17731 with threonine.
Molecular consequence: missense variant.
Genome position (GRCh38, 1-based): chr2:178,607,496, A>G on the plus strand (T>C on the coding strand, the complement: TTN is on the minus strand). VCF-style: chr2-178607496-A-G. GRCh37 (hg19) VCF-style: chr2-179472223-A-G.
Other names: p.I15163T:ATC>ACC; c.48269T>C, p.Ile16090Thr (NM_001256850.1); c.45488T>C, p.Ile15163Thr (NM_133378.4); c.25997T>C, p.Ile8666Thr (NM_003319.4); c.26372T>C, p.Ile8791Thr (NM_133432.3); c.26573T>C, p.Ile8858Thr (NM_133437.4); short protein forms I17731T, I15163T, I16090T, I8791T, I8858T, I8666T.
Identifiers: ClinVar variation 47074 (VCV000047074.79), dbSNP rs72646809, ClinGen allele CA283424.

ClinVar aggregate classification (germline): Benign/Likely benign. Review status: criteria provided, multiple submitters, no conflicts (2 of 4 stars). 29 submissions from 22 submitters: Benign (17); Likely benign (5). 7 of the submissions do not count toward it. Last evaluated 2026-09-01.

Conditions:
Cardiovascular phenotype. Identifiers: MedGen CN230736.
Autosomal recessive limb-girdle muscular dystrophy type 2J (LGMDR10). Also called: MUSCULAR DYSTROPHY, LIMB-GIRDLE, AUTOSOMAL RECESSIVE 10; Limb-girdle muscular dystrophy, type 2J. Identifiers: Orphanet 140922, MedGen C1837342, MONDO:0012127, OMIM 608807.
Dilated cardiomyopathy 1G (CMD1G). Identifiers: Orphanet 154, MedGen C1858763, MONDO:0011400, OMIM 604145.
Early-onset myopathy with fatal cardiomyopathy (CMYO5). Also called: CONGENITAL MYOPATHY 5 WITH CARDIOMYOPATHY; Salih Myopathy. Identifiers: Orphanet 289377, MedGen C2673677, MONDO:0012714, OMIM 611705. Disease mechanism: loss of function.
Myopathy, myofibrillar, 9, with early respiratory failure (MFM9). Also called: Myopathy, distal, with early respiratory failure, autosomal dominant; Hereditary myopathy with early respiratory failure; EDSTROM MYOPATHY; MYOPATHY, PROXIMAL, WITH EARLY RESPIRATORY MUSCLE INVOLVEMENT. Identifiers: Orphanet 178464, Orphanet 34521, MedGen C1863599, MONDO:0011362, OMIM 603689.
Tibial muscular dystrophy (TMD). Also called: Tibial muscular dystrophy, tardive; Udd Distal Myopathy – Tibial Muscular Dystrophy; UDD MYOPATHY. Identifiers: Orphanet 609, MedGen C1838244, MONDO:0010870, OMIM 600334.

Allele frequency attached by ClinVar (database versions not stated): 1000 Genomes Project 30x 0.00422; 1000 Genomes Project 0.00459; TOPMed 0.00801; ESP Exome Variant Server 0.01053; gnomAD 0.01131 and 0.01111; ExAC 0.01369.
gnomAD v4.1: 18,467 of 1,613,256 alleles (1.1%); highest among the groups gnomAD compares: Middle Eastern, 1.3%; 172 homozygotes.

Submissions 1 to 17 of 29:

CeGaT Center for Human Genetics Tuebingen
Classification: Benign. Last evaluated: 2026-09-01. Review status: criteria provided, single submitter. Criteria: CeGaT Center For Human Genetics Tuebingen Variant Classification Criteria Version 2. Collection method: clinical testing. Allele origin: germline. Affected: yes. Observed: 162 variant alleles.
Comment: TTN: BS1, BS2

Labcorp Genetics (formerly Invitae), Labcorp
Classification: Benign for Dilated cardiomyopathy 1G; Autosomal recessive limb-girdle muscular dystrophy type 2J. Last evaluated: 2026-02-03. Review status: criteria provided, single submitter. Criteria: Invitae Variant Classification Sherloc (09022015). Collection method: clinical testing. Allele origin: germline.

ARUP Laboratories, Molecular Genetics and Genomics, ARUP Laboratories
Classification: Benign. Last evaluated: 2025-06-25. Review status: criteria provided, single submitter. Criteria: ARUP Molecular Germline Variant Investigation Process 2024. Collection method: clinical testing. Allele origin: germline.

Molecular Diagnostic Laboratory for Inherited Cardiovascular Disease, Montreal Heart Institute
Classification: Likely benign. Last evaluated: 2025-04-09. Review status: criteria provided, single submitter. Criteria: ACMG Guidelines, 2015. Collection method: clinical testing. Allele origin: germline. Affected: no.

Blueprint Genetics
Classification: Benign. Last evaluated: 2024-11-23. Review status: criteria provided, single submitter. Criteria: ACMG Guidelines, 2015. Collection method: clinical testing. Allele origin: germline.

Athena Diagnostics
Classification: Benign. Last evaluated: 2024-05-28. Review status: criteria provided, single submitter. Criteria: Athena Diagnostics Criteria. Collection method: clinical testing. Allele origin: unknown.

Genome-Nilou Lab
Classification: Benign for Autosomal recessive limb-girdle muscular dystrophy type 2J. Last evaluated: 2021-09-10. Review status: criteria provided, single submitter. Criteria: ACMG Guidelines, 2015. Collection method: clinical testing. Allele origin: germline. Affected: no.

Genome-Nilou Lab
Classification: Benign for Myopathy, myofibrillar, 9, with early respiratory failure. Last evaluated: 2021-09-10. Review status: criteria provided, single submitter. Criteria: ACMG Guidelines, 2015. Collection method: clinical testing. Allele origin: germline. Affected: no.

Genome-Nilou Lab
Classification: Benign for Early-onset myopathy with fatal cardiomyopathy. Last evaluated: 2021-09-10. Review status: criteria provided, single submitter. Criteria: ACMG Guidelines, 2015. Collection method: clinical testing. Allele origin: germline. Affected: no.

Genome-Nilou Lab
Classification: Benign for Tibial muscular dystrophy. Last evaluated: 2021-09-10. Review status: criteria provided, single submitter. Criteria: ACMG Guidelines, 2015. Collection method: clinical testing. Allele origin: germline. Affected: no.

Women's Health and Genetics/Laboratory Corporation of America, LabCorp
Classification: Benign. Last evaluated: 2019-09-23. Review status: criteria provided, single submitter. Criteria: LabCorp Variant Classification Summary - May 2015. Collection method: clinical testing. Allele origin: germline.
Comment: Variant summary: TTN c.45488T>C (p.Ile15163Thr) results in a non-conservative amino acid change located in the A-band region of the encoded protein sequence. Five of five in-silico tools predict a damaging effect of the variant on protein function. The variant allele was found at a frequency of 0.014 in 248660 control chromosomes, predominantly at a frequency of 0.014 within the Non-Finnish European subpopulation in the gnomAD database, including 13 homozygotes. The observed variant frequency within Non-Finnish European control individuals in the gnomAD database is approximately 22 fold of the estimated maximal expected allele frequency for a pathogenic variant in TTN causing Cardiomyopathy phenotype (0.00063), strongly suggesting that the variant is a benign polymorphism found primarily in populations of Non-Finnish European origin. To our knowledge, no occurrence of c.45488T>C in individuals affected with Cardiomyopathy and no experimental evidence demonstrating its impact on protein function have been reported. Two clinical diagnostic laboratories have submitted clinical-significance assessments for this variant to ClinVar after 2014 without evidence for independent evaluation. All laboratories classified the variant as benign/likely benign. In addition, five clinical diagnostic laboratories have submitted clinical-significance assessments for this variant to ClinVar before 2014 without evidence for independent evaluation. All laboratories classified the variant as benign (n=4)/likely benign(n=1). Based on the evidence outlined above, the variant was classified as benign.

Mayo Clinic Laboratories, Mayo Clinic
Classification: Benign. Last evaluated: 2018-05-30. Review status: criteria provided, single submitter. Criteria: ACMG Guidelines, 2015. Collection method: clinical testing. Allele origin: germline. Observed: 46 variant alleles.

Illumina Laboratory Services, Illumina
Classification: Likely benign for Autosomal recessive limb-girdle muscular dystrophy type 2J. Last evaluated: 2018-01-13. Review status: criteria provided, single submitter. Criteria: ICSL Variant Classification Criteria 13 December 2019. Collection method: clinical testing. Allele origin: germline.
Comment: This variant was observed in the ICSL laboratory as part of a predisposition screen in an ostensibly healthy population. It had not been previously curated by ICSL or reported in the Human Gene Mutation Database (HGMD: prior to June 1st, 2018), and was therefore a candidate for classification through an automated scoring system. Utilizing variant allele frequency, disease prevalence and penetrance estimates, and inheritance mode, an automated score was calculated to assess if this variant is too frequent to cause the disease. Based on the score and internal cut-off values, a variant classified as likely benign is not then subjected to further curation. The score for this variant resulted in a classification of likely benign for this disease.

Illumina Laboratory Services, Illumina
Classification: Likely benign for Early-onset myopathy with fatal cardiomyopathy. Last evaluated: 2018-01-13. Review status: criteria provided, single submitter. Criteria: ICSL Variant Classification Criteria 13 December 2019. Collection method: clinical testing. Allele origin: germline.
Comment: the same text as in the submission from Illumina Laboratory Services, Illumina above.

Illumina Laboratory Services, Illumina
Classification: Likely benign for Dilated cardiomyopathy 1G. Last evaluated: 2018-01-13. Review status: criteria provided, single submitter. Criteria: ICSL Variant Classification Criteria 13 December 2019. Collection method: clinical testing. Allele origin: germline.
Comment: the same text as in the submission from Illumina Laboratory Services, Illumina above.

Illumina Laboratory Services, Illumina
Classification: Benign for Tibial muscular dystrophy. Last evaluated: 2018-01-13. Review status: criteria provided, single submitter. Criteria: ICSL Variant Classification Criteria 13 December 2019. Collection method: clinical testing. Allele origin: germline.
Comment: This variant was observed in the ICSL laboratory as part of a predisposition screen in an ostensibly healthy population. It had not been previously curated by ICSL or reported in the Human Gene Mutation Database (HGMD: prior to June 1st, 2018), and was therefore a candidate for classification through an automated scoring system. Utilizing variant allele frequency, disease prevalence and penetrance estimates, and inheritance mode, an automated score was calculated to assess if this variant is too frequent to cause the disease. Based on the score and internal cut-off values, a variant classified as benign is not then subjected to further curation. The score for this variant resulted in a classification of benign for this disease.

Illumina Laboratory Services, Illumina
Classification: Benign for Myopathy, myofibrillar, 9, with early respiratory failure. Last evaluated: 2018-01-13. Review status: criteria provided, single submitter. Criteria: ICSL Variant Classification Criteria 13 December 2019. Collection method: clinical testing. Allele origin: germline.
Comment: the same text as in the submission from Illumina Laboratory Services, Illumina above.